The following is an entry in ClinVar:

ClinVar aggregate classification (germline): Uncertain significance. Review status: criteria provided, multiple submitters, no conflicts (2 of 4 stars). 2 submissions from 2 submitters: Uncertain significance (2). Last evaluated 2024-05-17.

Conditions:
Sulfite oxidase deficiency due to molybdenum cofactor deficiency type A. Also called: Molybdenum cofactor deficiency, complementation group A; Molybdenum Cofactor Deficiency A. Identifiers: Orphanet 308386, Orphanet 833, MedGen C1854988, MONDO:0009643, OMIM 252150.

Allele frequency attached by ClinVar (database versions not stated): gnomAD 0.00001; TOPMed 0.00001.

Submissions (2):

Fulgent Genetics
Classification: Uncertain significance for Sulfite oxidase deficiency due to molybdenum cofactor deficiency type A. Last evaluated: 2024-05-17. Review status: criteria provided, single submitter. Criteria: ACMG Guidelines, 2015. Collection method: clinical testing. Allele origin: germline.

Labcorp Genetics (formerly Invitae), Labcorp
Classification: Uncertain significance for Sulfite oxidase deficiency due to molybdenum cofactor deficiency type A. Last evaluated: 2022-02-13. Review status: criteria provided, single submitter. Criteria: Invitae Variant Classification Sherloc (09022015). Collection method: clinical testing. Allele origin: germline.
Comment: This sequence change replaces arginine, which is basic and polar, with glutamine, which is neutral and polar, at codon 51 of the MOCS1 protein (p.Arg51Gln). This variant is present in population databases (rs754387991, gnomAD 0.005%). This variant has not been reported in the literature in individuals affected with MOCS1-related conditions. Algorithms developed to predict the effect of missense changes on protein structure and function output the following: SIFT: "Not Available"; PolyPhen-2: "Benign"; Align-GVGD: "Not Available". The glutamine amino acid residue is found in multiple mammalian species, which suggests that this missense change does not adversely affect protein function. In summary, the available evidence is currently insufficient to determine the role of this variant in disease. Therefore, it has been classified as a Variant of Uncertain Significance.

NM_001358530.2(MOCS1):c.152G>A (p.Arg51Gln)

Gene: MOCS1 (molybdenum cofactor synthesis 1; minus strand). Cytogenetic location: 6p21.2.
Variant type: single nucleotide variant.
Coding change: c.152G>A on transcript NM_001358530.2 (MANE Select); coding-DNA position 152, G replaced by A.
Protein change: p.Arg51Gln; replaces arginine 51 with glutamine.
Molecular consequence: missense variant. On other transcripts: 5 prime UTR variant (1), intron variant (2).
Genome position (GRCh38, 1-based): chr6:39,927,427, C>T on the plus strand (G>A on the coding strand, the complement: MOCS1 is on the minus strand). VCF-style: chr6-39927427-C-T. GRCh37 (hg19) VCF-style: chr6-39895166-C-T.
Other names: c.152G>A, p.Arg51Gln (NM_001075098.4, NM_001358529.2, NM_005943.6); c.-110G>A (NM_001358534.2); c.-11-1582G>A (NM_001358531.2, NM_001358533.2); c.152G>A (NM_005943.5); short protein forms R51Q.
Identifiers: ClinVar variation 2180728 (VCV002180728.2), dbSNP rs754387991, ClinGen allele CA3796427.